The following is an entry in ClinVar:

ClinVar aggregate classification (germline): Uncertain significance (1 of 4 stars; one submission).

Conditions:
Hereditary breast ovarian cancer syndrome. Also called: Hereditary breast and/or ovarian cancer syndrome; BRCA1- and BRCA2-Associated Hereditary Breast and Ovarian Cancer; Hereditary breast and ovarian cancer syndrome; Hereditary breast and ovarian cancer; Hereditary breast and ovarian cancer syndrome (HBOC); Breast and ovarian cancer. Identifiers: Orphanet 145, MedGen C0677776, MeSH D061325, MONDO:0003582. Disease mechanism: loss of function.

Submissions (2):

Labcorp Genetics (formerly Invitae), Labcorp
Classification: Uncertain significance for Hereditary breast ovarian cancer syndrome. Last evaluated: 2023-06-22. Review status: criteria provided, single submitter. Criteria: Invitae Variant Classification Sherloc (09022015). Collection method: clinical testing. Allele origin: germline.
Comment: This variant is not present in population databases (gnomAD no frequency). In summary, the available evidence is currently insufficient to determine the role of this variant in disease. Therefore, it has been classified as a Variant of Uncertain Significance. Experimental studies have shown that this missense change does not substantially affect BRCA1 function (PMID: 30209399). Advanced modeling performed at Invitae incorporating data from internal and/or published experimental studies (PMID: 30209399) indicates that this missense variant is not expected to disrupt BRCA1 function. ClinVar contains an entry for this variant (Variation ID: 865554). This variant has not been reported in the literature in individuals affected with BRCA1-related conditions. This sequence change replaces asparagine, which is neutral and polar, with tyrosine, which is neutral and polar, at codon 1678 of the BRCA1 protein (p.Asn1678Tyr).

Brotman Baty Institute, University of Washington
No classification provided (evidence only). Condition: Breast-ovarian cancer, familial 1. Review status: no classification provided. Collection method: in vitro. Allele origin: not applicable. Functional consequence: functionally_normal. Not counted in ClinVar's aggregate classification.
ClinVar note: "not provided" was previously submitted as the classification for the variant. However, the classification appeared to be based only on an observation of functional data so it was converted to no classification on 2025-07-30.

Literature cited by the submitters: PubMed 30209399 (cited by Labcorp Genetics (formerly Invitae), Labcorp).

NM_007294.4(BRCA1):c.5032A>T (p.Asn1678Tyr)

Gene: BRCA1 (BRCA1 DNA repair associated; minus strand). Cytogenetic location: 17q21.31.
Variant type: single nucleotide variant.
Coding change: c.5032A>T on transcript NM_007294.4 (MANE Select); coding-DNA position 5032, A replaced by T.
Protein change: p.Asn1678Tyr; replaces asparagine 1678 with tyrosine.
Molecular consequence: missense variant. On other transcripts: non-coding transcript variant (1).
Genome position (GRCh38, 1-based): chr17:43,067,650, T>A on the plus strand (A>T on the coding strand, the complement: BRCA1 is on the minus strand). VCF-style: chr17-43067650-T-A. GRCh37 (hg19) VCF-style: chr17-41219667-T-A.
Other names: c.4819A>T, p.Asn1607Tyr (NM_001407571.1, NM_001407897.1, NM_001407898.1 and 12 more transcripts); c.5098A>T, p.Asn1700Tyr (NM_001407581.1, NM_001407582.1); c.5095A>T, p.Asn1699Tyr (NM_001407583.1, NM_001407585.1, NM_001407587.1 and 1 more transcripts); c.5092A>T, p.Asn1698Tyr (NM_001407590.1, NM_001407591.1); c.5032A>T, p.Asn1678Tyr (NM_001407593.1, NM_001407594.1, NM_001407596.1 and 8 more transcripts); c.5029A>T, p.Asn1677Tyr (NM_001407610.1, NM_001407611.1, NM_001407612.1 and 17 more transcripts); c.5026A>T, p.Asn1676Tyr (NM_001407627.1, NM_001407628.1, NM_001407629.1 and 14 more transcripts); c.5020A>T, p.Asn1674Tyr (NM_001407646.1); and 70 more; short protein forms N1631Y, N574Y, N1678Y, N1699Y, N1381Y, N1524Y, N1549Y, N1565Y.
Identifiers: ClinVar variation 865554 (VCV000865554.6), dbSNP rs2052174148, ClinGen allele CA10591452.